The following is an entry in ClinVar:

NM_014780.5(CUL7):c.533G>T (p.Arg178Leu)

Gene: CUL7 (cullin 7; minus strand). Cytogenetic location: 6p21.1.
Variant type: single nucleotide variant.
Coding change: c.533G>T on transcript NM_014780.5 (MANE Select); coding-DNA position 533, G replaced by T.
Protein change: p.Arg178Leu; replaces arginine 178 with leucine.
Molecular consequence: missense variant.
Genome position (GRCh38, 1-based): chr6:43,052,256, C>A on the plus strand (G>T on the coding strand, the complement: CUL7 is on the minus strand). VCF-style: chr6-43052256-C-A. GRCh37 (hg19) VCF-style: chr6-43019994-C-A.
Other names: c.533G>T, p.Arg178Leu (NM_001168370.2, NM_001374872.1, NM_001374873.1 and 1 more transcripts); short protein forms R178L.
Identifiers: ClinVar variation 195302 (VCV000195302.33), dbSNP rs183865568, ClinGen allele CA201663.
Genomic context (GRCh38, chr6:43,052,256, plus strand): 5'-CACTGCCCCTCACCAGCGTCATGGGAGGACAGGGCTTGTATCATCCGGCCTGCACTCCAG[C>A]GAATCTGATAATCAGGACTACTCAACATGTGCATGAGCAAGTCCAGGACCCTTGGGTCCT-3'
Protein context (NP_055595.2, residues 168-188): HMLSSPDYQI[Arg178Leu]WSAGRMIQAL

ClinVar aggregate classification (germline): Conflicting classifications of pathogenicity. Review status: criteria provided, conflicting classifications (1 of 4 stars). 5 submissions from 5 submitters: Uncertain significance (1); Likely benign (4). Last evaluated 2026-02-02.

Conditions:
3M syndrome 1. Also called: 3-M Syndrome, CUL7-Related. Identifiers: Orphanet 2616, MedGen C2678312, MONDO:0010117, OMIM 273750.

Allele frequency attached by ClinVar (database versions not stated): ESP Exome Variant Server 0.00023; TOPMed 0.00041; 1000 Genomes Project 30x 0.00078; 1000 Genomes Project 0.00080.
gnomAD v4.1: 1,307 of 1,614,212 alleles (0.081%); highest among the groups gnomAD compares: South Asian, 0.076%; 3 homozygotes.

Submissions (5):

Labcorp Genetics (formerly Invitae), Labcorp
Classification: Likely benign. Last evaluated: 2026-02-02. Review status: criteria provided, single submitter. Criteria: Invitae Variant Classification Sherloc (09022015). Collection method: clinical testing. Allele origin: germline.

CeGaT Center for Human Genetics Tuebingen
Classification: Likely benign. Last evaluated: 2025-01-01. Review status: criteria provided, single submitter. Criteria: CeGaT Center For Human Genetics Tuebingen Variant Classification Criteria Version 2. Collection method: clinical testing. Allele origin: germline. Affected: yes. Observed: 1 variant allele.
Comment: CUL7: BS2

Blueprint Genetics
Classification: Likely benign. Last evaluated: 2024-11-25. Review status: criteria provided, single submitter. Criteria: ACMG Guidelines, 2015. Collection method: clinical testing. Allele origin: germline.

Illumina Laboratory Services, Illumina
Classification: Uncertain significance for 3M syndrome 1. Last evaluated: 2018-01-13. Review status: criteria provided, single submitter. Criteria: ICSL Variant Classification Criteria 13 December 2019. Collection method: clinical testing. Allele origin: germline.

Eurofins Ntd Llc (ga)
Classification: Likely benign. Last evaluated: 2015-04-03. Review status: criteria provided, single submitter. Criteria: EGL Classification Definitions 2015. Collection method: clinical testing. Allele origin: germline. Observed: 1 variant allele, 1 heterozygote.